The following is an entry in ClinVar:

ClinVar aggregate classification (germline): Uncertain significance (1 of 4 stars; one submission).

Submission:

GeneDx
Classification: Uncertain significance. Last evaluated: 2026-03-12. Review status: criteria provided, single submitter. Criteria: GeneDx Variant Classification Process June 2021. Collection method: clinical testing. Allele origin: germline.
Comment: Not observed at significant frequency in large population cohorts (gnomAD); In silico analysis suggests that this missense variant does not alter protein structure/function; Has not been previously published as pathogenic or benign to our knowledge

NM_000081.4(LYST):c.5664T>A (p.Asp1888Glu)

Gene: LYST (lysosomal trafficking regulator; minus strand). Cytogenetic location: 1q42.3.
Variant type: single nucleotide variant.
Coding change: c.5664T>A on transcript NM_000081.4 (MANE Select); coding-DNA position 5664, T replaced by A.
Protein change: p.Asp1888Glu; replaces aspartic acid 1888 with glutamic acid.
Molecular consequence: missense variant.
Genome position (GRCh38, 1-based): chr1:235,773,962, A>T on the plus strand (T>A on the coding strand, the complement: LYST is on the minus strand). VCF-style: chr1-235773962-A-T. GRCh37 (hg19) VCF-style: chr1-235937262-A-T.
Other names: c.5664T>A, p.Asp1888Glu (NM_001301365.1); short protein forms D1888E.
Identifiers: ClinVar variation 5009093 (VCV005009093.1).
Genomic context (GRCh38, chr1:235,773,962, plus strand): 5'-GATTATAGCATTAGAGTCTACATCCAACTTAAACTCTCCATTCTCATTCATATAAATAAT[A>T]TCTTCACCACAGCATCCTTCAAGAAGGGTCTATAGAAAATTAGCATTAATATAAGATGCA-3'
Protein context (NP_000072.2, residues 1878-1898): KTLLEGCCGE[Asp1888Glu]IIYMNENGEF